The following is an entry in ClinVar:

NM_000083.3(CLCN1):c.720C>T (p.Ser240=)

Gene: CLCN1 (chloride voltage-gated channel 1; plus strand). Cytogenetic location: 7q34.
Variant type: single nucleotide variant.
Coding change: c.720C>T on transcript NM_000083.3 (MANE Select); coding-DNA position 720, C replaced by T.
Protein change: p.Ser240=; no amino-acid change (serine 240 retained).
Molecular consequence: synonymous variant. On other transcripts: non-coding transcript variant (1).
Genome position (GRCh38, 1-based): chr7:143,323,332, C>T. VCF-style: chr7-143323332-C-T. GRCh37 (hg19) VCF-style: chr7-143020425-C-T.
Identifiers: ClinVar variation 384938 (VCV000384938.4), dbSNP rs764402957, ClinGen allele CA4537063.

ClinVar aggregate classification (germline): Likely benign. Review status: criteria provided, multiple submitters, no conflicts (2 of 4 stars). 2 submissions from 2 submitters: Likely benign (2). Last evaluated 2025-10-20.

Conditions:
Congenital myotonia, autosomal recessive form. Also called: BECKER DISEASE; myotonia congenita, autosomal recessive; Becker Generalized Myotonia. Identifiers: Orphanet 614, MedGen C0751360, MONDO:0009715, OMIM 255700.
Congenital myotonia, autosomal dominant form (THD). Also called: Myotonia congenita autosomal dominant; THOMSEN DISEASE. Identifiers: Orphanet 614, MedGen C2936781, MONDO:0008055, OMIM 160800.

Allele frequency attached by ClinVar (database versions not stated): ExAC 0.00001; gnomAD 0.00002; TOPMed 0.00002.
gnomAD v4.1: 5 of 1,613,670 alleles (0.00031%); highest among the groups gnomAD compares: African/African-American, 0.0067%; no homozygotes.

Submissions (2):

Labcorp Genetics (formerly Invitae), Labcorp
Classification: Likely benign for Congenital myotonia, autosomal recessive form; Congenital myotonia, autosomal dominant form. Last evaluated: 2025-10-20. Review status: criteria provided, single submitter. Criteria: Invitae Variant Classification Sherloc (09022015). Collection method: clinical testing. Allele origin: germline.

GeneDx
Classification: Likely benign. Last evaluated: 2017-03-27. Review status: criteria provided, single submitter. Criteria: GeneDx Variant Classification (06012015). Collection method: clinical testing. Allele origin: germline. Affected: yes.
Comment: This variant is considered likely benign or benign based on one or more of the following criteria: it is a conservative change, it occurs at a poorly conserved position in the protein, it is predicted to be benign by multiple in silico algorithms, and/or has population frequency not consistent with disease.